The following is an entry in ClinVar:

ClinVar aggregate classification (germline): Uncertain significance (1 of 4 stars; one submission).

Conditions:
Developmental delay, dysmorphic facies, and brain anomalies. Identifiers: MedGen C5882698, MONDO:0957810, OMIM 620535.

gnomAD v4.1: 1 of 1,597,898 alleles (0.000063%); highest among the groups gnomAD compares: Non-Finnish European, 0.000085%; no homozygotes.

Submission:

Clinical Genomics Laboratory, Washington University in St. Louis
Classification: Uncertain significance for Developmental delay, dysmorphic facies, and brain anomalies. Last evaluated: 2026-01-12. Review status: criteria provided, single submitter. Criteria: ACMG Guidelines, 2015. Collection method: clinical testing. Allele origin: germline.
Comment: The U2AF2 c.1386A>C (p.Lys462Asn) variant, to our knowledge, has not been reported in the medical literature and is only observed in 1/1,597,898 alleles in the general population (gnomAD v4.1.0), indicating it is not a common variant. Computational predictors suggest that the variant does not impact U2AF2 function. Due to limited information, and based on ACMG/AMP guidelines for variant interpretation (Richards S et al., PMID: 25741868), the clinical significance of this variant is uncertain at this time.

NM_007279.3(U2AF2):c.1386A>C (p.Lys462Asn)

Gene: U2AF2 (U2 small nuclear RNA auxiliary factor 2; plus strand). Cytogenetic location: 19q13.42.
Variant type: single nucleotide variant.
Coding change: c.1386A>C on transcript NM_007279.3 (MANE Select); coding-DNA position 1386, A replaced by C.
Protein change: p.Lys462Asn; replaces lysine 462 with asparagine.
Molecular consequence: missense variant.
Genome position (GRCh38, 1-based): chr19:55,674,026, A>C. VCF-style: chr19-55674026-A-C. GRCh37 (hg19) VCF-style: chr19-56185392-A-C.
Other names: c.1374A>C, p.Lys458Asn (NM_001012478.2); short protein forms K458N, K462N.
Identifiers: ClinVar variation 4879479 (VCV004879479.1).